The following is an entry in ClinVar:

NM_000780.4(CYP7A1):c.224A>G (p.Tyr75Cys)

Gene: CYP7A1 (cytochrome P450 family 7 subfamily A member 1; minus strand). Cytogenetic location: 8q12.1.
Variant type: single nucleotide variant.
Coding change: c.224A>G on transcript NM_000780.4 (MANE Select); coding-DNA position 224, A replaced by G.
Protein change: p.Tyr75Cys; replaces tyrosine 75 with cysteine.
Molecular consequence: missense variant.
Genome position (GRCh38, 1-based): chr8:58,498,326, T>C on the plus strand (A>G on the coding strand, the complement: CYP7A1 is on the minus strand). VCF-style: chr8-58498326-T-C. GRCh37 (hg19) VCF-style: chr8-59410885-T-C.
Other names: short protein forms Y75C.
Identifiers: ClinVar variation 2575976 (VCV002575976.2), dbSNP rs377254635, ClinGen allele CA4756857.

ClinVar aggregate classification (germline): Uncertain significance. Review status: criteria provided, multiple submitters, no conflicts (2 of 4 stars). 2 submissions from 2 submitters: Uncertain significance (2). Last evaluated 2025-02-19.

Allele frequency attached by ClinVar (database versions not stated): TOPMed 0.00002; ExAC 0.00007; ESP Exome Variant Server 0.00031.
gnomAD v4.1: 56 of 1,614,040 alleles (0.0035%); highest among the groups gnomAD compares: Non-Finnish European, 0.0045%; no homozygotes.

Submissions (2):

Labcorp Genetics (formerly Invitae), Labcorp
Classification: Uncertain significance. Last evaluated: 2025-02-19. Review status: criteria provided, single submitter. Criteria: Invitae Variant Classification Sherloc (09022015). Collection method: clinical testing. Allele origin: germline.
Comment: This sequence change replaces tyrosine, which is neutral and polar, with cysteine, which is neutral and slightly polar, at codon 75 of the CYP7A1 protein (p.Tyr75Cys). This variant is present in population databases (rs377254635, gnomAD 0.009%). This variant has not been reported in the literature in individuals affected with CYP7A1-related conditions. ClinVar contains an entry for this variant (Variation ID: 2575976). Invitae Evidence Modeling of protein sequence and biophysical properties (such as structural, functional, and spatial information, amino acid conservation, physicochemical variation, residue mobility, and thermodynamic stability) indicates that this missense variant is expected to disrupt CYP7A1 protein function with a positive predictive value of 80%. In summary, the available evidence is currently insufficient to determine the role of this variant in disease. Therefore, it has been classified as a Variant of Uncertain Significance.

Institute for Clinical Genetics, University Hospital TU Dresden, University Hospital TU Dresden
Classification: Uncertain significance. Last evaluated: 2022-05-17. Review status: criteria provided, single submitter. Criteria: ACMG Guidelines, 2015. Collection method: clinical testing. Allele origin: germline.
Comment: PP3